The following is an entry in ClinVar:

NM_004744.5(LRAT):c.398A>C (p.Lys133Thr)

Gene: LRAT (lecithin retinol acyltransferase; plus strand). Cytogenetic location: 4q32.1.
Variant type: single nucleotide variant.
Coding change: c.398A>C on transcript NM_004744.5 (MANE Select); coding-DNA position 398, A replaced by C.
Protein change: p.Lys133Thr; replaces lysine 133 with threonine.
Molecular consequence: missense variant.
Genome position (GRCh38, 1-based): chr4:154,744,724, A>C. VCF-style: chr4-154744724-A-C. GRCh37 (hg19) VCF-style: chr4-155665876-A-C.
Other names: c.398A>C, p.Lys133Thr (NM_001301645.2); short protein forms K133T.
Identifiers: ClinVar variation 195231 (VCV000195231.10), dbSNP rs147855559, ClinGen allele CA241562.
Genomic context (GRCh38, chr4:154,744,724, plus strand): 5'-TGGAGGACTTCGCCTACGGAGCTAACATCCTGGTCAATCACCTGGACGAGTCCCTCCAGA[A>C]AAAGGCACTGCTCAACGAGGAGGTGGCGCGGAGGGCTGAAAAGCTGCTGGGCTTTACCCC-3'
Protein context (NP_004735.2, residues 123-143): LVNHLDESLQ[Lys133Thr]KALLNEEVAR

ClinVar aggregate classification (germline): Uncertain significance. Review status: criteria provided, multiple submitters, no conflicts (2 of 4 stars). 2 submissions from 2 submitters: Uncertain significance (2). Last evaluated 2024-10-15.

Allele frequency attached by ClinVar (database versions not stated): gnomAD exomes 0.00002 and 0.00006; ExAC 0.00007; 1000 Genomes Project 0.00020; TOPMed 0.00034; 1000 Genomes Project 30x 0.00047; ESP Exome Variant Server 0.00023; gnomAD 0.00029 and 0.00031.
gnomAD v4.1: 80 of 1,614,166 alleles (0.005%); highest among the groups gnomAD compares: African/African-American, 0.097%; no homozygotes.

Submissions (2):

Labcorp Genetics (formerly Invitae), Labcorp
Classification: Uncertain significance. Last evaluated: 2024-10-15. Review status: criteria provided, single submitter. Criteria: Invitae Variant Classification Sherloc (09022015). Collection method: clinical testing. Allele origin: germline.
Comment: This sequence change replaces lysine, which is basic and polar, with threonine, which is neutral and polar, at codon 133 of the LRAT protein (p.Lys133Thr). This variant is present in population databases (rs147855559, gnomAD 0.09%). This variant has not been reported in the literature in individuals affected with LRAT-related conditions. ClinVar contains an entry for this variant (Variation ID: 195231). An algorithm developed to predict the effect of missense changes on protein structure and function (PolyPhen-2) suggests that this variant¬†is likely to be tolerated. In summary, the available evidence is currently insufficient to determine the role of this variant in disease. Therefore, it has been classified as a Variant of Uncertain Significance.

Eurofins Ntd Llc (ga)
Classification: Uncertain significance. Last evaluated: 2015-03-02. Review status: criteria provided, single submitter. Criteria: EGL Classification Definitions 2015. Collection method: clinical testing. Allele origin: germline. Observed: 1 variant allele, 1 heterozygote.